The following is an entry in ClinVar:

ClinVar aggregate classification (germline): Uncertain significance (1 of 4 stars; one submission).

Conditions:
Fanconi anemia (FA). Also called: Fanconi's anemia. Identifiers: Orphanet 84, MedGen C0015625, MeSH D005199, MONDO:0019391.

Allele frequency attached by ClinVar (database versions not stated): TOPMed below 0.00001; ExAC 0.00001.
gnomAD v4.1: 15 of 1,614,254 alleles (0.00093%); highest among the groups gnomAD compares: African/African-American, 0.0013%; no homozygotes.

Submission:

Labcorp Genetics (formerly Invitae), Labcorp
Classification: Uncertain significance for Fanconi anemia. Last evaluated: 2026-01-12. Review status: criteria provided, single submitter. Criteria: Invitae Variant Classification Sherloc (09022015). Collection method: clinical testing. Allele origin: germline.
Comment: This sequence change replaces valine, which is neutral and non-polar, with methionine, which is neutral and non-polar, at codon 1703 of the SLX4 protein (p.Val1703Met). This variant is present in population databases (rs771178344, gnomAD 0.003%). This variant has not been reported in the literature in individuals affected with SLX4-related conditions. ClinVar contains an entry for this variant (Variation ID: 2156833). An algorithm developed to predict the effect of missense changes on protein structure and function outputs the following: PolyPhen-2: "Benign". The methionine amino acid residue is found in multiple mammalian species, which suggests that this missense change does not adversely affect protein function. In summary, the available evidence is currently insufficient to determine the role of this variant in disease. Therefore, it has been classified as a Variant of Uncertain Significance.

NM_032444.4(SLX4):c.5107G>A (p.Val1703Met)

Gene: SLX4 (SLX4 structure-specific endonuclease subunit; minus strand). Cytogenetic location: 16p13.3.
Variant type: single nucleotide variant.
Coding change: c.5107G>A on transcript NM_032444.4 (MANE Select); coding-DNA position 5107, G replaced by A.
Protein change: p.Val1703Met; replaces valine 1703 with methionine.
Molecular consequence: missense variant.
Genome position (GRCh38, 1-based): chr16:3,583,143, C>T on the plus strand (G>A on the coding strand, the complement: SLX4 is on the minus strand). VCF-style: chr16-3583143-C-T. GRCh37 (hg19) VCF-style: chr16-3633144-C-T.
Other names: short protein forms V1703M.
Identifiers: ClinVar variation 2156833 (VCV002156833.4), dbSNP rs771178344, ClinGen allele CA7865428.